The following is an entry in ClinVar:

ClinVar aggregate classification (germline): Uncertain significance (1 of 4 stars; one submission).

Conditions:
Renal cell carcinoma. Identifiers: Orphanet 217071, MedGen C0007134, MeSH D002292, MONDO:0005086, HP:0005584.

Submission:

Labcorp Genetics (formerly Invitae), Labcorp
Classification: Uncertain significance for Renal cell carcinoma. Last evaluated: 2023-11-17. Review status: criteria provided, single submitter. Criteria: Invitae Variant Classification Sherloc (09022015). Collection method: clinical testing. Allele origin: germline.
Comment: This sequence change replaces tyrosine, which is neutral and polar, with cysteine, which is neutral and slightly polar, at codon 1253 of the MET protein (p.Tyr1253Cys). This variant is not present in population databases (gnomAD no frequency). This variant has not been reported in the literature in individuals affected with MET-related conditions. Advanced modeling of protein sequence and biophysical properties (such as structural, functional, and spatial information, amino acid conservation, physicochemical variation, residue mobility, and thermodynamic stability) performed at Invitae indicates that this missense variant is expected to disrupt MET protein function with a positive predictive value of 80%. In summary, the available evidence is currently insufficient to determine the role of this variant in disease. Therefore, it has been classified as a Variant of Uncertain Significance.

NM_000245.4(MET):c.3704A>G (p.Tyr1235Cys)

Gene: MET (MET proto-oncogene, receptor tyrosine kinase; plus strand). Cytogenetic location: 7q31.2.
Variant type: single nucleotide variant.
Coding change: c.3704A>G on transcript NM_000245.4 (MANE Select); coding-DNA position 3704, A replaced by G.
Protein change: p.Tyr1235Cys; replaces tyrosine 1235 with cysteine.
Molecular consequence: missense variant.
Genome position (GRCh38, 1-based): chr7:116,783,375, A>G. VCF-style: chr7-116783375-A-G. GRCh37 (hg19) VCF-style: chr7-116423429-A-G.
Other names: c.3758A>G, p.Tyr1253Cys (NM_001127500.3); c.2414A>G, p.Tyr805Cys (NM_001324402.2); short protein forms Y1253C, Y1235C, Y805C.
Identifiers: ClinVar variation 2902341 (VCV002902341.3), dbSNP rs2117066308, ClinGen allele CA368991661.
Genomic context (GRCh38, chr7:116,783,375, plus strand): 5'-AATTCACAGTCAAGGTTGCTGATTTTGGTCTTGCCAGAGACATGTATGATAAAGAATACT[A>G]TAGTGTACACAACAAAACAGGTGCAAAGCTGCCAGTGAAGTGGATGGCTTTGGAAAGTCT-3'
Protein context (NP_000236.2, residues 1225-1245): LARDMYDKEY[Tyr1235Cys]SVHNKTGAKL